The following is an entry in ClinVar:

NM_000368.5(TSC1):c.257G>C (p.Arg86Pro)

Gene: TSC1 (TSC complex subunit 1; minus strand). Cytogenetic location: 9q34.13.
Variant type: single nucleotide variant.
Coding change: c.257G>C on transcript NM_000368.5 (MANE Select); coding-DNA position 257, G replaced by C.
Protein change: p.Arg86Pro; replaces arginine 86 with proline.
Molecular consequence: missense variant. On other transcripts: 5 prime UTR variant (18), non-coding transcript variant (5), intron variant (5).
Genome position (GRCh38, 1-based): chr9:132,925,693, C>G on the plus strand (G>C on the coding strand, the complement: TSC1 is on the minus strand). VCF-style: chr9-132925693-C-G. GRCh37 (hg19) VCF-style: chr9-135801080-C-G.
Other names: c.-107G>C (NM_001406618.1, NM_001406619.1, NM_001406620.1 and 5 more transcripts); c.-232G>C (NM_001406623.1, NM_001406615.1); c.-199G>C (NM_001406624.1, NM_001406614.1, NM_001406616.1); c.-621G>C (NM_001406626.1, NM_001406627.1, NM_001406628.1); c.-763G>C (NM_001406629.1); c.-837G>C (NM_001406630.1); c.257G>C, p.Arg86Pro (NM_001406604.1, NM_001406605.1, NM_001406606.1 and 16 more transcripts); c.210+1508G>C (NM_001406613.1, NM_001406612.1, NM_001406610.1 and 2 more transcripts); short protein forms R86P.
Identifiers: ClinVar variation 4192039 (VCV004192039.2).

ClinVar aggregate classification (germline): Uncertain significance (1 of 4 stars; one submission).

Conditions:
Hereditary cancer-predisposing syndrome. Also called: Neoplastic Syndromes, Hereditary; Tumor predisposition; Hereditary Cancer Syndrome; Hereditary neoplastic syndrome. Identifiers: Orphanet 140162, MedGen C0027672, MeSH D009386, MONDO:0015356.

Submission:

Ambry Genetics
Classification: Uncertain significance for Hereditary cancer-predisposing syndrome. Last evaluated: 2026-08-11. Review status: criteria provided, single submitter. Criteria: Ambry Variant Classification Scheme 2023. Collection method: clinical testing. Allele origin: germline.
Comment: The p.R86P variant (also known as c.257G>C), located in coding exon 3 of the TSC1 gene, results from a G to C substitution at nucleotide position 257. The arginine at codon 86 is replaced by proline, an amino acid with dissimilar properties. This amino acid position is conserved. In addition, this alteration is predicted to be deleterious by in silico analysis. Based on the available evidence, the clinical significance of this variant remains unclear.